The following is an entry in ClinVar:

ClinVar aggregate classification (germline): Uncertain significance. Review status: criteria provided, multiple submitters, no conflicts (2 of 4 stars). 2 submissions from 2 submitters: Uncertain significance (2). Last evaluated 2025-09-10.

Conditions:
Hereditary breast ovarian cancer syndrome. Also called: Hereditary breast and ovarian cancer; Hereditary breast and/or ovarian cancer syndrome; Hereditary breast and ovarian cancer syndrome; Hereditary breast and ovarian cancer syndrome (HBOC); Breast and ovarian cancer; BRCA1- and BRCA2-Associated Hereditary Breast and Ovarian Cancer. Identifiers: Orphanet 145, MedGen C0677776, MeSH D061325, MONDO:0003582. Disease mechanism: loss of function.

Allele frequency attached by ClinVar (database versions not stated): gnomAD 0.00001; TOPMed 0.00001.

Submissions (2):

Labcorp Genetics (formerly Invitae), Labcorp
Classification: Uncertain significance for Hereditary breast ovarian cancer syndrome. Last evaluated: 2025-09-10. Review status: criteria provided, single submitter. Criteria: Invitae Variant Classification Sherloc (09022015). Collection method: clinical testing. Allele origin: germline.
Comment: This sequence change falls in intron 1 of the BRCA2 gene. It does not directly change the encoded amino acid sequence of the BRCA2 protein. It affects a nucleotide within the consensus splice site. This variant is not present in population databases (gnomAD no frequency). This variant has not been reported in the literature in individuals affected with BRCA2-related conditions. ClinVar contains an entry for this variant (Variation ID: 419639). Variants that disrupt the consensus splice site are a relatively common cause of aberrant splicing (PMID: 17576681, 9536098). RNA analysis provides insufficient evidence to determine the effect of this variant on BRCA2 splicing (internal data). In summary, the available evidence is currently insufficient to determine the role of this variant in disease. Therefore, it has been classified as a Variant of Uncertain Significance.

GeneDx
Classification: Uncertain significance. Last evaluated: 2016-12-29. Review status: criteria provided, single submitter. Criteria: GeneDx Variant Classification (06012015). Collection method: clinical testing. Allele origin: germline. Affected: yes.
Comment: This variant is denoted BRCA2 c.-40+5G>T or IVS1+5G>T and consists of a G>T nucleotide substitution at the +5 position of intron 1 of the BRCA2 gene. Using alternate nomenclature, this variant would be defined as BRCA2 188+5G>T. Of note, BRCA2 exon 1 is non-coding, and the BRCA2 ATG translational start site is located in exon 2. Multiple in silico models predict this variant to destroy the nearby natural splice donor site, and to possibly cause abnormal gene splicing; however, in the absence of RNA or functional studies, the actual effect of this variant is unknown. This variant has not, to our knowledge, been published in the literature as pathogenic or benign. The guanine (G) nucleotide that is altered is conserved in mammals. Based on currently available evidence, it is unclear whether BRCA2 c.-40+5G>T is a pathogenic or benign variant. We consider it to be a variant of uncertain significance.

Literature cited by the submitters: PubMed 17576681 (cited by Labcorp Genetics (formerly Invitae), Labcorp); PubMed 9536098 (cited by Labcorp Genetics (formerly Invitae), Labcorp).

NM_000059.4(BRCA2):c.-40+5G>T

Genes: BRCA2 (BRCA2 DNA repair associated; plus strand), LOC106721785 (BRCA2 promoter/silencer region; plus strand). Cytogenetic location: 13q13.1.
Variant type: single nucleotide variant.
Coding change: c.-40+5G>T on transcript NM_000059.4 (MANE Select); 5 bases into the intron after 40 bases upstream of the start codon, G replaced by T.
Molecular consequence: intron variant.
Genome position (GRCh38, 1-based): chr13:32,315,672, G>T. VCF-style: chr13-32315672-G-T. GRCh37 (hg19) VCF-style: chr13-32889809-G-T.
Identifiers: ClinVar variation 419639 (VCV000419639.10), dbSNP rs930825419, ClinGen allele CA16619629.
Genomic context (GRCh38, chr13:32,315,672, plus strand): 5'-CGGCGCGGTTTTTGTCAGCTTACTCCGGCCAAAAAAGAACTGCACCTCTGGAGCGGGTTA[G>T]TGGTGGTGGTAGTGGGTTGGGACGAGCGCGTCTTCCGCAGTCCCAGTCCAGCGTGGCGGG-3'